The following is an entry in ClinVar:

ClinVar aggregate classification (germline): Uncertain significance (1 of 4 stars; one submission).

Allele frequency attached by ClinVar (database versions not stated): gnomAD exomes below 0.00001.
gnomAD v4.1: 2 of 1,614,044 alleles (0.00012%); highest among the groups gnomAD compares: Non-Finnish European, 0.00017%; no homozygotes.

Submission:

GeneDx
Classification: Uncertain significance. Last evaluated: 2022-08-30. Review status: criteria provided, single submitter. Criteria: GeneDx Variant Classification Process June 2021. Collection method: clinical testing. Allele origin: germline. Affected: yes.
Comment: Not observed at significant frequency in large population cohorts (gnomAD); In silico analysis supports that this missense variant has a deleterious effect on protein structure/function; Has not been previously published as pathogenic or benign to our knowledge

NM_001037333.3(CYFIP2):c.3329G>A (p.Gly1110Asp)

Genes: CYFIP2 (cytoplasmic FMR1 interacting protein 2; plus strand), NIPAL4-DT (NIPAL4 divergent transcript; minus strand). Cytogenetic location: 5q33.3.
Variant type: single nucleotide variant.
Coding change: c.3329G>A on transcript NM_001037333.3 (MANE Select); coding-DNA position 3329, G replaced by A.
Protein change: p.Gly1110Asp; replaces glycine 1110 with aspartic acid.
Molecular consequence: missense variant.
Genome position (GRCh38, 1-based): chr5:157,389,310, G>A. VCF-style: chr5-157389310-G-A. GRCh37 (hg19) VCF-style: chr5-156816318-G-A.
Other names: c.3251G>A, p.Gly1084Asp (NM_001291721.2); c.3404G>A, p.Gly1135Asp (NM_001291722.2); c.3329G>A, p.Gly1110Asp (NM_014376.4); short protein forms G1084D, G1110D, G1135D.
Identifiers: ClinVar variation 1704818 (VCV001704818.2), dbSNP rs374666951, ClinGen allele CA361982154.